The following is an entry in ClinVar:

ClinVar aggregate classification (germline): Uncertain significance. Review status: criteria provided, multiple submitters, no conflicts (2 of 4 stars). 4 submissions from 4 submitters: Uncertain significance (4). Last evaluated 2024-12-11.

Conditions:
Joubert syndrome 14 (JBTS14). Identifiers: MedGen C3280766, MONDO:0013745, OMIM 614424.

Allele frequency attached by ClinVar (database versions not stated): ExAC 0.00001; gnomAD 0.00001; gnomAD exomes 0.00001; TOPMed 0.00001.
gnomAD v4.1: 18 of 1,608,472 alleles (0.0011%); highest among the groups gnomAD compares: Non-Finnish European, 0.0011%; no homozygotes.

Submissions (4):

GeneDx
Classification: Uncertain significance. Last evaluated: 2024-12-11. Review status: criteria provided, single submitter. Criteria: GeneDx Variant Classification Process June 2021. Collection method: clinical testing. Allele origin: germline. Affected: yes.
Comment: Not observed at significant frequency in large population cohorts (gnomAD); In silico analysis indicates that this missense variant does not alter protein structure/function; Has not been previously published as pathogenic or benign to our knowledge

Fulgent Genetics
Classification: Uncertain significance for Joubert syndrome 14. Last evaluated: 2024-05-31. Review status: criteria provided, single submitter. Criteria: ACMG Guidelines, 2015. Collection method: clinical testing. Allele origin: germline.

Labcorp Genetics (formerly Invitae), Labcorp
Classification: Uncertain significance for Joubert syndrome 14. Last evaluated: 2022-07-30. Review status: criteria provided, single submitter. Criteria: Invitae Variant Classification Sherloc (09022015). Collection method: clinical testing. Allele origin: germline.
Comment: In summary, the available evidence is currently insufficient to determine the role of this variant in disease. Therefore, it has been classified as a Variant of Uncertain Significance. This sequence change replaces arginine, which is basic and polar, with glutamine, which is neutral and polar, at codon 223 of the TMEM237 protein (p.Arg223Gln). This variant is present in population databases (rs770053080, gnomAD 0.004%). This variant has not been reported in the literature in individuals affected with TMEM237-related conditions. ClinVar contains an entry for this variant (Variation ID: 333563). Algorithms developed to predict the effect of missense changes on protein structure and function are either unavailable or do not agree on the potential impact of this missense change (SIFT: "Deleterious"; PolyPhen-2: "Benign"; Align-GVGD: "Class C0").

Illumina Laboratory Services, Illumina
Classification: Uncertain significance for Joubert syndrome 14. Last evaluated: 2018-01-12. Review status: criteria provided, single submitter. Criteria: ICSL Variant Classification Criteria 13 December 2019. Collection method: clinical testing. Allele origin: germline.

NM_001044385.3(TMEM237):c.668G>A (p.Arg223Gln)

Gene: TMEM237 (transmembrane protein 237; minus strand). Cytogenetic location: 2q33.1.
Variant type: single nucleotide variant.
Coding change: c.668G>A on transcript NM_001044385.3 (MANE Select); coding-DNA position 668, G replaced by A.
Protein change: p.Arg223Gln; replaces arginine 223 with glutamine.
Molecular consequence: missense variant.
Genome position (GRCh38, 1-based): chr2:201,629,738, C>T on the plus strand (G>A on the coding strand, the complement: TMEM237 is on the minus strand). VCF-style: chr2-201629738-C-T. GRCh37 (hg19) VCF-style: chr2-202494461-C-T.
Other names: c.644G>A, p.Arg215Gln (NM_152388.4); short protein forms R223Q, R215Q.
Identifiers: ClinVar variation 333563 (VCV000333563.9), dbSNP rs770053080, ClinGen allele CA2056425.